The following is an entry in ClinVar:

NM_177438.3(DICER1):c.5528-2del

Gene: DICER1 (dicer 1, ribonuclease III; minus strand). Cytogenetic location: 14q32.13.
Variant type: Deletion.
Coding change: c.5528-2del on transcript NM_177438.3 (MANE Select); the canonical splice acceptor site of the intron before coding-DNA position 5528, one base deleted (A; older notation c.5528-2delA).
Molecular consequence: splice acceptor variant.
Genome position (GRCh38, 1-based): chr14:95,091,111, T deleted on the plus strand (A on the coding strand, the reverse complement: DICER1 is on the minus strand). VCF-style (leftmost placement, unchanged base first): chr14-95091110-CT-C. GRCh37 (hg19) VCF-style: chr14-95557447-CT-C.
Other names: c.5528-2del (NM_001291628.2, NM_030621.4, NM_001395677.1 and 7 more transcripts); c.5123-2del (NM_001395690.1, NM_001395687.1, NM_001395689.1 and 1 more transcripts); c.5246-2del (NM_001395686.1); c.4961-2del (NM_001395691.1); c.3845-2del (NM_001395697.1); c.5365-2del (NM_001195573.1).
Identifiers: ClinVar variation 1466862 (VCV001466862.7), dbSNP rs2139773639, ClinGen allele CA2573150308.

ClinVar aggregate classification (germline): Likely pathogenic (1 of 4 stars; one submission).

Conditions:
DICER1-related tumor predisposition. Also called: DICER1-related pleuropulmonary blastoma cancer predisposition syndrome; DICER1 syndrome. Identifiers: Orphanet 284343, MedGen C3839822, MONDO:0100216.

Submission:

Labcorp Genetics (formerly Invitae), Labcorp
Classification: Likely pathogenic for DICER1-related tumor predisposition. Last evaluated: 2021-12-29. Review status: criteria provided, single submitter. Criteria: Invitae Variant Classification Sherloc (09022015). Collection method: clinical testing. Allele origin: germline.
Comment: In summary, the currently available evidence indicates that the variant is pathogenic, but additional data are needed to prove that conclusively. Therefore, this variant has been classified as Likely Pathogenic. Algorithms developed to predict the effect of sequence changes on RNA splicing suggest that this variant may disrupt the consensus splice site. This variant has not been reported in the literature in individuals affected with DICER1-related conditions. This variant is not present in population databases (gnomAD no frequency). This sequence change affects a splice site in intron 25 of the DICER1 gene. It is expected to disrupt RNA splicing. Variants that disrupt the donor or acceptor splice site typically lead to a loss of protein function (PMID: 16199547), and loss-of-function variants in DICER1 are known to be pathogenic (PMID: 19556464, 21266384).

Literature cited by the submitters: PubMed 16199547; PubMed 19556464; PubMed 21266384.